The following is an entry in ClinVar:

ClinVar aggregate classification (germline): Benign/Likely benign. Review status: criteria provided, multiple submitters, no conflicts (2 of 4 stars). 21 submissions from 21 submitters: Benign (13); Likely benign (1). 7 of the submissions do not count toward it. Last evaluated 2026-02-04.

Conditions:
Juvenile polyposis syndrome (JPS). Identifiers: Orphanet 2929, MedGen C0345893, MONDO:0017380, OMIM 174900.
Hereditary cancer-predisposing syndrome. Also called: Tumor predisposition; Neoplastic Syndromes, Hereditary; Hereditary neoplastic syndrome; Hereditary Cancer Syndrome. Identifiers: Orphanet 140162, MedGen C0027672, MeSH D009386, MONDO:0015356.
Generalized juvenile polyposis/juvenile polyposis coli. Also called: Juvenile polyposis coli. Identifiers: Orphanet 329971, MedGen C1868081, MONDO:0008276.

Allele frequency attached by ClinVar (database versions not stated): gnomAD exomes 0.28431 and 0.35754; ExAC 0.35582; ESP Exome Variant Server 0.38951; gnomAD 0.40558 and 0.40719; TOPMed 0.42105; 1000 Genomes Project 30x 0.49672; 1000 Genomes Project 0.49980.
gnomAD v4.1: 473,381 of 1,592,936 alleles (30%); highest among the groups gnomAD compares: East Asian, 72%; 83,045 homozygotes.

Submissions (21):

Labcorp Genetics (formerly Invitae), Labcorp
Classification: Benign for Juvenile polyposis syndrome. Last evaluated: 2026-02-04. Review status: criteria provided, single submitter. Criteria: Invitae Variant Classification Sherloc (09022015). Collection method: clinical testing. Allele origin: germline.

ARUP Laboratories, Molecular Genetics and Genomics, ARUP Laboratories
Classification: Benign. Last evaluated: 2025-07-23. Review status: criteria provided, single submitter. Criteria: ARUP Molecular Germline Variant Investigation Process 2024. Collection method: clinical testing. Allele origin: germline.

GeneKor MSA
Classification: Benign for Hereditary cancer-predisposing syndrome. Last evaluated: 2025-07-10. Review status: criteria provided, single submitter. Criteria: ACMG Guidelines, 2015. Collection method: clinical testing. Allele origin: germline.

Blueprint Genetics
Classification: Likely benign. Last evaluated: 2024-11-27. Review status: criteria provided, single submitter. Criteria: ACMG Guidelines, 2015. Collection method: clinical testing. Allele origin: germline.

All of Us Research Program, National Institutes of Health
Classification: Benign for Juvenile polyposis syndrome. Last evaluated: 2024-10-03. Review status: criteria provided, single submitter. Criteria: ACMG Guidelines, 2015. Collection method: clinical testing. Allele origin: germline. Inheritance: Autosomal dominant inheritance. Observed: 74,459 variant alleles, 57,578 heterozygotes, 16,866 homozygotes, 15 hemizygotes.
Comment: This study involves interpretation of variants in research participants for the purpose of population health screening. Participant phenotype was not available at the time of variant classification. Additional details can be found in publication PMID: 35346344, PMCID: PMC8962531

Myriad Genetics, Inc.
Classification: Benign for Juvenile polyposis syndrome. Last evaluated: 2024-07-30. Review status: criteria provided, single submitter. Criteria: Myriad Autosomal Dominant, Autosomal Recessive and X-Linked Classification Criteria (2023). Collection method: clinical testing. Allele origin: unknown.
Comment: This variant is considered benign. This variant has been observed at a population frequency that is significantly greater than expected given the associated disease prevalence and penetrance.

KCCC/NGS Laboratory, Kuwait Cancer Control Center
Classification: Benign for Juvenile polyposis syndrome. Last evaluated: 2023-07-07. Review status: criteria provided, single submitter. Criteria: ACMG Guidelines, 2015. Collection method: clinical testing. Allele origin: germline. Affected: yes.

Genome-Nilou Lab
Classification: Benign for Juvenile polyposis syndrome. Last evaluated: 2021-07-14. Review status: criteria provided, single submitter. Criteria: ACMG Guidelines, 2015. Collection method: clinical testing. Allele origin: germline. Affected: no.

Illumina Laboratory Services, Illumina
Classification: Benign for Juvenile polyposis syndrome. Last evaluated: 2018-01-12. Review status: criteria provided, single submitter. Criteria: ICSL Variant Classification Criteria 13 December 2019. Collection method: clinical testing. Allele origin: germline.
Comment: This variant was observed in the ICSL laboratory as part of a predisposition screen in an ostensibly healthy population. It had not been previously curated by ICSL or reported in the Human Gene Mutation Database (HGMD: prior to June 1st, 2018), and was therefore a candidate for classification through an automated scoring system. Utilizing variant allele frequency, disease prevalence and penetrance estimates, and inheritance mode, an automated score was calculated to assess if this variant is too frequent to cause the disease. Based on the score and internal cut-off values, a variant classified as benign is not then subjected to further curation. The score for this variant resulted in a classification of benign for this disease.

Color Diagnostics, LLC DBA Color Health
Classification: Benign for Hereditary cancer-predisposing syndrome. Last evaluated: 2016-03-09. Review status: criteria provided, single submitter. Criteria: ACMG Guidelines, 2015. Collection method: clinical testing. Allele origin: germline.

GeneDx
Classification: Benign. Last evaluated: 2015-03-03. Review status: criteria provided, single submitter. Criteria: GeneDx Variant Classification Process June 2021. Collection method: clinical testing. Allele origin: germline. Affected: yes.
Comment: This variant is associated with the following publications: (PMID: 24728327)

Ambry Genetics
Classification: Benign for Hereditary cancer-predisposing syndrome. Last evaluated: 2014-11-19. Review status: criteria provided, single submitter. Criteria: Ambry Variant Classification Scheme 2023. Collection method: clinical testing. Allele origin: germline.

Breakthrough Genomics
Classification: Benign. Review status: criteria provided, single submitter. Criteria: ACMG Guidelines, 2015. Collection method: not provided. Allele origin: germline. Inheritance: Autosomal dominant inheritance. Affected: yes.

PreventionGenetics, part of Exact Sciences
Classification: Benign. Review status: criteria provided, single submitter. Criteria: ACMG Guidelines, 2015. Collection method: clinical testing. Allele origin: germline.

ITMI
No classification provided. Condition: AllHighlyPenetrant. Last evaluated: 2013-09-19. Review status: no classification provided. Collection method: reference population. Allele origin: germline. Not counted in ClinVar's aggregate classification.
Comment: Please see associated publication for description of ethnicities

Biesecker Lab/Clinical Genomics Section, National Institutes of Health
Classification: Benign. Last evaluated: 2012-07-13. Review status: no assertion criteria provided. Collection method: research. Allele origin: germline. Affected: no. Observed: 287 variant alleles. Study: ClinSeq. Not counted in ClinVar's aggregate classification.
ClinVar note: Converted during submission from no known pathogenicity to Benign.

Clinical Genetics DNA and cytogenetics Diagnostics Lab, Erasmus MC, Erasmus Medical Center
Classification: Benign. Review status: no assertion criteria provided. Collection method: clinical testing. Allele origin: germline. Affected: yes. Study: VKGL Data-share Consensus. Not counted in ClinVar's aggregate classification.

Clinical Genetics, Academic Medical Center
Classification: Benign. Review status: no assertion criteria provided. Collection method: clinical testing. Allele origin: germline. Affected: yes. Study: VKGL Data-share Consensus. Not counted in ClinVar's aggregate classification.

Department of Pathology and Laboratory Medicine, Sinai Health System
Classification: Uncertain significance. Review status: no assertion criteria provided. Collection method: clinical testing. Allele origin: unknown. Affected: yes. Study: The Canadian Open Genetics Repository (COGR). Not counted in ClinVar's aggregate classification.

Joint Genome Diagnostic Labs from Nijmegen and Maastricht, Radboudumc and MUMC+
Classification: Benign. Review status: no assertion criteria provided. Collection method: clinical testing. Allele origin: germline. Affected: yes. Study: VKGL Data-share Consensus. Not counted in ClinVar's aggregate classification.

Mayo Clinic Laboratories, Mayo Clinic
Classification: Benign. Review status: no assertion criteria provided. Collection method: clinical testing. Allele origin: unknown. Not counted in ClinVar's aggregate classification.

Literature cited by the submitters: PubMed 24728327 (cited by ITMI).

NM_004329.3(BMPR1A):c.4C>A (p.Pro2Thr)

Gene: BMPR1A (bone morphogenetic protein receptor type 1A; plus strand). Cytogenetic location: 10q23.2.
Variant type: single nucleotide variant.
Coding change: c.4C>A on transcript NM_004329.3 (MANE Select); coding-DNA position 4, C replaced by A.
Protein change: p.Pro2Thr; replaces proline 2 with threonine.
Molecular consequence: missense variant.
Genome position (GRCh38, 1-based): chr10:86,876,022, C>A. VCF-style: chr10-86876022-C-A. GRCh37 (hg19) VCF-style: chr10-88635779-C-A.
Other names: short protein forms P2T.
Identifiers: ClinVar variation 41782 (VCV000041782.57), dbSNP rs11528010, ClinGen allele CA157462.